The following is an entry in ClinVar:

NM_001197104.2(KMT2A):c.2608A>T (p.Lys870Ter)

Gene: KMT2A (lysine methyltransferase 2A; plus strand). Cytogenetic location: 11q23.3.
Variant type: single nucleotide variant.
Coding change: c.2608A>T on transcript NM_001197104.2 (MANE Select); coding-DNA position 2608, A replaced by T.
Protein change: p.Lys870Ter; replaces lysine 870 with a stop codon.
Molecular consequence: nonsense.
Genome position (GRCh38, 1-based): chr11:118,473,767, A>T. VCF-style: chr11-118473767-A-T. GRCh37 (hg19) VCF-style: chr11-118344482-A-T.
Other names: c.2707A>T, p.Lys903Ter (NM_001412597.1); c.2608A>T, p.Lys870Ter (NM_005933.4); short protein forms K870*, K903*.
Identifiers: ClinVar variation 2034237 (VCV002034237.5), dbSNP rs2496813149, ClinGen allele CA382816443.

ClinVar aggregate classification (germline): Pathogenic/Likely pathogenic. Review status: criteria provided, multiple submitters, no conflicts (2 of 4 stars). 2 submissions from 2 submitters: Pathogenic (1); Likely pathogenic (1). Last evaluated 2023-02-23.

Conditions:
Wiedemann-Steiner syndrome (WDSTS). Also called: Growth deficiency and mental retardation with facial dysmorphism. Identifiers: Orphanet 319182, MedGen C1854630, MONDO:0011518, OMIM 605130.

Submissions (2):

3billion
Classification: Likely pathogenic for Wiedemann-Steiner syndrome. Last evaluated: 2023-02-23. Review status: criteria provided, single submitter. Criteria: ACMG Guidelines, 2015. Collection method: clinical testing. Allele origin: unknown. Affected: yes.
Comment: The variant is not observed in the gnomAD v2.1.1 dataset. This variant was predicted to result in a loss or disruption of normal protein function through nonsense-mediated decay (NMD) or protein truncation. Multiple pathogenic variants are reported downstream of the variant. Therefore, this variant is classified as Likely pathogenic according to the recommendation of ACMG/AMP guideline.

Labcorp Genetics (formerly Invitae), Labcorp
Classification: Pathogenic. Last evaluated: 2022-10-05. Review status: criteria provided, single submitter. Criteria: Invitae Variant Classification Sherloc (09022015). Collection method: clinical testing. Allele origin: germline.
Comment: For these reasons, this variant has been classified as Pathogenic. This variant has not been reported in the literature in individuals affected with KMT2A-related conditions. This variant is not present in population databases (gnomAD no frequency). This sequence change creates a premature translational stop signal (p.Lys870*) in the KMT2A gene. It is expected to result in an absent or disrupted protein product. Loss-of-function variants in KMT2A are known to be pathogenic (PMID: 22795537, 25574841, 25810209, 28120103, 29574747, 31157197, 31337854).

Literature cited by the submitters: PubMed 22795537 (cited by Labcorp Genetics (formerly Invitae), Labcorp); PubMed 25574841 (cited by Labcorp Genetics (formerly Invitae), Labcorp); PubMed 25810209 (cited by Labcorp Genetics (formerly Invitae), Labcorp); PubMed 28120103 (cited by Labcorp Genetics (formerly Invitae), Labcorp); PubMed 29574747 (cited by Labcorp Genetics (formerly Invitae), Labcorp); PubMed 31157197 (cited by Labcorp Genetics (formerly Invitae), Labcorp); PubMed 31337854 (cited by Labcorp Genetics (formerly Invitae), Labcorp).